The following is an entry in ClinVar:

ClinVar aggregate classification (germline): Conflicting classifications of pathogenicity. Review status: criteria provided, conflicting classifications (1 of 4 stars). 4 submissions from 4 submitters: Uncertain significance (3); Likely benign (1). Last evaluated 2023-11-27.

Conditions:
CALR3-related disorder. Also called: CALR3-related condition.
Hypertrophic cardiomyopathy 19. Also called: Familial hypertrophic cardiomyopathy 19. Identifiers: MedGen CN077603, MONDO:0013476.

Allele frequency attached by ClinVar (database versions not stated): ExAC 0.00001; gnomAD 0.00001; gnomAD exomes 0.00001; TOPMed 0.00001; ESP Exome Variant Server 0.00008.

Submissions (4):

Labcorp Genetics (formerly Invitae), Labcorp
Classification: Uncertain significance for Hypertrophic cardiomyopathy 19. Last evaluated: 2023-11-27. Review status: criteria provided, single submitter. Criteria: Invitae Variant Classification Sherloc (09022015). Collection method: clinical testing. Allele origin: germline.
Comment: This sequence change replaces glutamic acid, which is acidic and polar, with lysine, which is basic and polar, at codon 383 of the CALR3 protein (p.Glu383Lys). This variant is present in population databases (rs368434498, gnomAD 0.002%). This variant has not been reported in the literature in individuals affected with CALR3-related conditions. ClinVar contains an entry for this variant (Variation ID: 1046730). An algorithm developed to predict the effect of missense changes on protein structure and function (PolyPhen-2) suggests that this variant is likely to be disruptive. In summary, the available evidence is currently insufficient to determine the role of this variant in disease. Therefore, it has been classified as a Variant of Uncertain Significance.

Blueprint Genetics
Classification: Likely benign. Last evaluated: 2022-09-28. Review status: criteria provided, single submitter. Criteria: ACMG Guidelines, 2015. Collection method: clinical testing. Allele origin: germline.

PreventionGenetics, part of Exact Sciences
Classification: Uncertain significance for CALR3-related condition. Last evaluated: 2022-08-26. Review status: criteria provided, single submitter. Criteria: ACMG Guidelines, 2015. Collection method: clinical testing. Allele origin: germline.
Comment: The CALR3 c.1147G>A variant is predicted to result in the amino acid substitution p.Glu383Lys. To our knowledge, this variant has not been reported in the literature. This variant is reported in 0.0018% of alleles in individuals of European (Non-Finnish) descent in gnomAD. At this time, the clinical significance of this variant is uncertain due to the absence of conclusive functional and genetic evidence.

Breakthrough Genomics
Classification: Uncertain significance. Review status: criteria provided, single submitter. Criteria: ACMG Guidelines, 2015. Collection method: not provided. Allele origin: germline. Inheritance: Autosomal dominant inheritance. Affected: yes.

NM_145046.5(CALR3):c.1147G>A (p.Glu383Lys)

Gene: CALR3 (calreticulin 3; minus strand). Cytogenetic location: 19p13.11.
Variant type: single nucleotide variant.
Coding change: c.1147G>A on transcript NM_145046.5 (MANE Select); coding-DNA position 1147, G replaced by A.
Protein change: p.Glu383Lys; replaces glutamic acid 383 with lysine.
Molecular consequence: missense variant.
Genome position (GRCh38, 1-based): chr19:16,479,139, C>T on the plus strand (G>A on the coding strand, the complement: CALR3 is on the minus strand). VCF-style: chr19-16479139-C-T. GRCh37 (hg19) VCF-style: chr19-16589950-C-T.
Other names: c.1147G>A (NM_145046.4); short protein forms E383K.
Identifiers: ClinVar variation 1046730 (VCV001046730.12), dbSNP rs368434498, ClinGen allele CA9278160.